The following is an entry in ClinVar:

NM_000203.5(IDUA):c.630del (p.Ala211fs)

Gene: IDUA (alpha-L-iduronidase; plus strand). Cytogenetic location: 4p16.3.
Variant type: Deletion.
Coding change: c.630del on transcript NM_000203.5 (MANE Select); coding-DNA position 630, one base deleted (C; older notation c.630delC).
Protein change: p.Ala211fs; shifts the reading frame from alanine 211.
Molecular consequence: frameshift variant. On other transcripts: non-coding transcript variant (1).
Genome position (GRCh38, 1-based): chr4:1,001,719, C deleted. VCF-style (leftmost placement, unchanged base first): chr4-1001718-GC-G. GRCh37 (hg19) VCF-style: chr4-995506-GC-G.
Other names: c.234del, p.Ala79fs (NM_001363576.1); c.630delC (NM_000203.4); short protein forms A79fs, A211fs.
Identifiers: ClinVar variation 2194180 (VCV002194180.5), dbSNP rs1560546897, ClinGen allele CA549264464.

ClinVar aggregate classification (germline): Pathogenic/Likely pathogenic. Review status: criteria provided, multiple submitters, no conflicts (2 of 4 stars). 2 submissions from 2 submitters: Pathogenic (1); Likely pathogenic (1). Last evaluated 2025-11-09.

Conditions:
Mucopolysaccharidosis type 1. Also called: IDUA deficiency; MPS I; Mucopolysaccharidosis Type I. Identifiers: Orphanet 579, MedGen C0023786, MONDO:0001586.

Allele frequency attached by ClinVar (database versions not stated): gnomAD exomes below 0.00001.

Submissions (2):

Natera, Inc.
Classification: Likely pathogenic for Mucopolysaccharidosis type I. Last evaluated: 2025-11-09. Review status: criteria provided, single submitter. Criteria: Natera Variant Classification Schema (03/2026). Collection method: clinical testing. Allele origin: germline.
Comment: The c.630delC variant in IDUA is a frameshift variant predicted to shift the reading frame beginning at codon 211 and leads to a stop codon 23 codons downstream. This variant is expected to result in nonsense mediated decay, truncation, or a dysfunctional protein product. This variant is rare in the general population with a frequency below the threshold expected for the associated phenotype(s). Given the available evidence, this variant is classified as Likely Pathogenic.

Labcorp Genetics (formerly Invitae), Labcorp
Classification: Pathogenic for Mucopolysaccharidosis type 1. Last evaluated: 2023-09-26. Review status: criteria provided, single submitter. Criteria: Invitae Variant Classification Sherloc (09022015). Collection method: clinical testing. Allele origin: germline.
Comment: This variant is present in population databases (no rsID available, gnomAD 0.001%). For these reasons, this variant has been classified as Pathogenic. ClinVar contains an entry for this variant (Variation ID: 2194180). This variant has not been reported in the literature in individuals affected with IDUA-related conditions. This sequence change creates a premature translational stop signal (p.Ala211Profs*23) in the IDUA gene. It is expected to result in an absent or disrupted protein product. Loss-of-function variants in IDUA are known to be pathogenic (PMID: 11735025, 21480867).

Literature cited by the submitters: PubMed 11735025 (cited by Labcorp Genetics (formerly Invitae), Labcorp); PubMed 21480867 (cited by Labcorp Genetics (formerly Invitae), Labcorp).